The following is an entry in ClinVar:

NM_018834.6(MATR3):c.912+11_912+15del

Gene: MATR3 (matrin 3; plus strand). Cytogenetic location: 5q31.2.
Variant type: Deletion.
Coding change: c.912+11_912+15del on transcript NM_018834.6 (MANE Select); bases 11 to 15 of the intron after coding-DNA position 912, 5 bases deleted (TCAAC; older notation c.912+11_912+15delTCAAC).
Molecular consequence: intron variant.
Genome position (GRCh38, 1-based): chr5:139,308,338-139,308,342, TCAAC deleted; deleting any 5 consecutive bases within chr5:139,308,335-139,308,342 gives the same sequence; the c. name uses the placement nearest the transcript's 3' end. VCF-style (leftmost placement, unchanged base first): chr5-139308334-TAACTC-T. GRCh37 (hg19) VCF-style: chr5-138644023-TAACTC-T.
Other names: p.?; c.912+11_912+15del (NM_001400451.1, NM_001400450.1, NM_001400441.1 and 17 more transcripts); c.52-6337_52-6333del (NM_001400459.1); c.-102-6337_-102-6333del (NM_001400463.1, NM_001400460.1, NM_001282278.2 and 3 more transcripts); c.-40-7359_-40-7355del (NM_001400462.1, NM_001400467.1); c.13-6337_13-6333del (NM_001400461.1); c.49-6337_49-6333del (NM_001194956.2).
Identifiers: ClinVar variation 2079121 (VCV002079121.5), dbSNP rs751129961, ClinGen allele CA3432955.

ClinVar aggregate classification (germline): Likely benign. Review status: criteria provided, multiple submitters, no conflicts (2 of 4 stars). 2 submissions from 2 submitters: Likely benign (2). Last evaluated 2024-12-31.

Conditions:
Amyotrophic lateral sclerosis type 21. Also called: VOCAL CORD AND PHARYNGEAL DYSFUNCTION WITH DISTAL MYOPATHY; MYOPATHY, DISTAL, 2. Identifiers: Orphanet 600, Orphanet 803, MedGen C3807521, MONDO:0011632, OMIM 606070.

Submissions (2):

Mayo Clinic Laboratories, Mayo Clinic
Classification: Likely benign. Last evaluated: 2024-12-31. Review status: criteria provided, single submitter. Criteria: ACMG Guidelines, 2015. Collection method: clinical testing. Allele origin: germline. Observed: 1 variant allele.
Comment: BP4, BP7

Labcorp Genetics (formerly Invitae), Labcorp
Classification: Likely benign for Amyotrophic lateral sclerosis type 21. Last evaluated: 2024-12-10. Review status: criteria provided, single submitter. Criteria: Invitae Variant Classification Sherloc (09022015). Collection method: clinical testing. Allele origin: germline.